The following is an entry in ClinVar:

ClinVar aggregate classification (germline): Uncertain significance. Review status: criteria provided, single submitter (1 of 4 stars). 2 submissions from 2 submitters: Uncertain significance (1). 1 of the submissions does not count toward it. Last evaluated 2022-05-20.

Conditions:
Congenital hyperammonemia, type I. Also called: Carbamoyl-phosphate synthase I deficiency; CPS I DEFICIENCY; Carbamoyl phosphate synthetase I deficiency disease; Carbamoyl phosphate synthetase 1 deficiency; Hyperammonemia due to carbamoyl phosphate synthetase 1 deficiency; CPS 1 deficiency. Identifiers: Orphanet 147, MedGen C4082171, MONDO:0009376, OMIM 237300.

gnomAD v4.1: 2 of 1,612,022 alleles (0.00012%); highest among the groups gnomAD compares: Non-Finnish European, 0.000085%; no homozygotes.

Submissions (2):

Labcorp Genetics (formerly Invitae), Labcorp
Classification: Uncertain significance for Congenital hyperammonemia, type I. Last evaluated: 2022-05-20. Review status: criteria provided, single submitter. Criteria: Invitae Variant Classification Sherloc (09022015). Collection method: clinical testing. Allele origin: germline.
Comment: ClinVar contains an entry for this variant (Variation ID: 556372). Algorithms developed to predict the effect of missense changes on protein structure and function are either unavailable or do not agree on the potential impact of this missense change (SIFT: "Deleterious"; PolyPhen-2: "Probably Damaging"; Align-GVGD: "Class C0"). In summary, the available evidence is currently insufficient to determine the role of this variant in disease. Therefore, it has been classified as a Variant of Uncertain Significance. This missense change has been observed in individual(s) with clinical features of carbamoyl phosphate synthetase I deficiency (PMID: 21120950). This sequence change replaces valine, which is neutral and non-polar, with methionine, which is neutral and non-polar, at codon 622 of the CPS1 protein (p.Val622Met). This variant is not present in population databases (gnomAD no frequency).

Counsyl
Classification: Uncertain significance for Congenital hyperammonemia, type I. Last evaluated: 2018-01-25. Review status: no assertion criteria provided. Collection method: clinical testing. Allele origin: unknown. Not counted in ClinVar's aggregate classification.

Literature cited by the submitters: PubMed 21120950 (cited by Labcorp Genetics (formerly Invitae), Labcorp and Counsyl).

NM_001875.5(CPS1):c.1864G>A (p.Val622Met)

Gene: CPS1 (carbamoyl-phosphate synthase 1; plus strand). Cytogenetic location: 2q34.
Variant type: single nucleotide variant.
Coding change: c.1864G>A on transcript NM_001875.5 (MANE Select); coding-DNA position 1864, G replaced by A.
Protein change: p.Val622Met; replaces valine 622 with methionine.
Molecular consequence: missense variant. On other transcripts: non-coding transcript variant (2).
Genome position (GRCh38, 1-based): chr2:210,605,129, G>A. VCF-style: chr2-210605129-G-A. GRCh37 (hg19) VCF-style: chr2-211469853-G-A.
Other names: c.1864G>A (LRG_336t1); c.1864G>A, p.Val622Met (NM_001122633.3, NM_001369257.1); c.1897G>A, p.Val633Met (NM_001369256.1); short protein forms V622M, V633M.
Identifiers: ClinVar variation 556372 (VCV000556372.6), dbSNP rs1553512962, ClinGen allele CA350437783.